The following is an entry in ClinVar:

ClinVar aggregate classification (germline): Benign (0 of 4 stars; one submission).

Conditions:
ATAD5-related disorder. Also called: ATAD5-related condition.

Allele frequency attached by ClinVar (database versions not stated): 1000 Genomes Project 0.15156; 1000 Genomes Project 30x 0.15490; TOPMed 0.24076; gnomAD 0.24813; ExAC 0.26085; ESP Exome Variant Server 0.26258; gnomAD exomes 0.32637.
gnomAD v4.1: 503,667 of 1,584,380 alleles (32%); highest among the groups gnomAD compares: Non-Finnish European, 36%; 86,655 homozygotes.

Submission:

PreventionGenetics, part of Exact Sciences
Classification: Benign for ATAD5-related condition. Last evaluated: 2019-10-21. Review status: no assertion criteria provided. Collection method: clinical testing. Allele origin: germline.
Comment: This variant is classified as benign based on ACMG/AMP sequence variant interpretation guidelines (Richards et al. 2015 PMID: 25741868, with internal and published modifications).

NM_024857.5(ATAD5):c.404A>G (p.Glu135Gly)

Gene: ATAD5 (ATPase family AAA domain containing 5; plus strand). Cytogenetic location: 17q11.2.
Variant type: single nucleotide variant.
Coding change: c.404A>G on transcript NM_024857.5 (MANE Select); coding-DNA position 404, A replaced by G.
Protein change: p.Glu135Gly; replaces glutamic acid 135 with glycine.
Molecular consequence: missense variant.
Genome position (GRCh38, 1-based): chr17:30,834,485, A>G. VCF-style: chr17-30834485-A-G. GRCh37 (hg19) VCF-style: chr17-29161503-A-G.
Other names: short protein forms E135G.
Identifiers: ClinVar variation 3060074 (VCV003060074.2), dbSNP rs11080134, ClinGen allele CA8483474.